The following is an entry in ClinVar:

ClinVar aggregate classification (germline): Uncertain significance (1 of 4 stars; one submission).

gnomAD v4.1: 28 of 1,614,200 alleles (0.0017%); highest among the groups gnomAD compares: Non-Finnish European, 0.0024%; no homozygotes.

Submission:

Labcorp Genetics (formerly Invitae), Labcorp
Classification: Uncertain significance. Last evaluated: 2024-09-11. Review status: criteria provided, single submitter. Criteria: Invitae Variant Classification Sherloc (09022015). Collection method: clinical testing. Allele origin: germline.
Comment: This sequence change replaces alanine, which is neutral and non-polar, with threonine, which is neutral and polar, at codon 73 of the CFI protein (p.Ala73Thr). This variant is present in population databases (no rsID available, gnomAD 0.0009%). This variant has not been reported in the literature in individuals affected with CFI-related conditions. Invitae Evidence Modeling of protein sequence and biophysical properties (such as structural, functional, and spatial information, amino acid conservation, physicochemical variation, residue mobility, and thermodynamic stability) indicates that this missense variant is not expected to disrupt CFI protein function with a negative predictive value of 80%. In summary, the available evidence is currently insufficient to determine the role of this variant in disease. Therefore, it has been classified as a Variant of Uncertain Significance.

NM_000204.5(CFI):c.217G>A (p.Ala73Thr)

Gene: CFI (complement factor I; minus strand). Cytogenetic location: 4q25.
Variant type: single nucleotide variant.
Coding change: c.217G>A on transcript NM_000204.5 (MANE Select); coding-DNA position 217, G replaced by A.
Protein change: p.Ala73Thr; replaces alanine 73 with threonine.
Molecular consequence: missense variant. On other transcripts: non-coding transcript variant (3), intron variant (1).
Genome position (GRCh38, 1-based): chr4:109,766,665, C>T on the plus strand (G>A on the coding strand, the complement: CFI is on the minus strand). VCF-style: chr4-109766665-C-T. GRCh37 (hg19) VCF-style: chr4-110687821-C-T.
Other names: c.217G>A, p.Ala73Thr (NM_001318057.2, NM_001331035.2, NM_001375278.1 and 5 more transcripts); c.-127-4973G>A (NM_001375284.1); short protein forms A73T.
Identifiers: ClinVar variation 3671484 (VCV003671484.2).
Genomic context (GRCh38, chr4:109,766,665, plus strand): 5'-ATTCCAAACTCTTTTGTTGACAGTATGTTGGGAAGCTTCTCCTGTTAGTTGCACACACTG[C>T]AGTGCCATTCTTTGGGCACTGATACGGTAGTTTACAAACACAGGTGCCCTCAATGCATCT-3'
Protein context (NP_000195.3, residues 63-83): LPYQCPKNGT[Ala73Thr]VCATNRRSFP